The following is an entry in ClinVar:

ClinVar aggregate classification (germline): Pathogenic (1 of 4 stars; one submission).

Conditions:
Charcot-Marie-Tooth disease type 4. Also called: Charcot-Marie-Tooth, Type 4; Charcot-Marie-Tooth disease, type IV. Identifiers: Orphanet 64749, MedGen C4082197, MONDO:0018995.

Submission:

Labcorp Genetics (formerly Invitae), Labcorp
Classification: Pathogenic for Charcot-Marie-Tooth disease type 4. Last evaluated: 2020-01-09. Review status: criteria provided, single submitter. Criteria: Invitae Variant Classification Sherloc (09022015). Collection method: clinical testing. Allele origin: germline.
Comment: For these reasons, this variant has been classified as Pathogenic. Retrotransposon insertions including LINE1 (L1), Alu, and SVA (SINE-VNTR-Alu) have been reported to be disease-causing through disruption of either a coding region or splice site (PMID: 19763152, 20307669, 22406018) and loss-of-function variants in SH3TC2 are known to be pathogenic (PMID: 20220177, 27068304). Algorithms developed to predict the effect of sequence changes on RNA splicing suggest that this variant may create or strengthen a splice site, but this prediction has not been confirmed by published transcriptional studies. This variant has not been reported in the literature in individuals with SH3TC2-related conditions. This variant is not present in population databases (ExAC no frequency). This sequence change inserts a large fragment of DNA, likely a transposable element, in exon 11 of the SH3TC2 gene (c.1557_1558insAlu), causing a frameshift at codon 520 (p.Lys520fs). The exact size and sequence of the insertion cannot be determined by the current assay. However, the insertion is expected to result in an absent or disrupted protein product.

Literature cited by the submitters: PubMed 19763152; PubMed 20307669; PubMed 22406018; PubMed 20220177; PubMed 27068304.

NM_024577.4(SH3TC2):c.1557_1558insGCCGGGCGCGGTGGCTCATGCCTGTAATCCCAGCACTTTGGGAGGCCGAAGCGGGTGGATCATGAGGTCAGGAGATCGAGACCATCCTGGCTAACAAGGTGAAACCCCGTCTCTACTAANNNNNNNNNNAAAAAAAAAAAAAAAAAAAAGAAAGTGGGCCAAG (p.Lys520delinsAlaGlyArgGlyGlySerCysLeuTer)

Gene: SH3TC2 (SH3 domain and tetratricopeptide repeats 2; minus strand). Cytogenetic location: 5q32.
Variant type: Insertion.
Coding change: c.1557_1558insGCCGGGCGCGGTGGCTCATGCCTGTAATCCCAGCACTTTGGGAGGCCGAAGCGGGTGGATCATGAGGTCAGGAGATCGAGACCATCCTGGCTAACAAGGTGAAACCCCGTCTCTACTAANNNNNNNNNNAAAAAAAAAAAAAAAAAAAAGAAAGTGGGCCAAG on transcript NM_024577.4 (MANE Select); coding-DNA positions 1557 to 1558, GCCGGGCGCGGTGGCTCATGCCTGTAATCCCAGCACTTTGGGAGGCCGAAGCGGGTGGATCATGAGGTCAGGAGATCGAGACCATCCTGGCTAACAAGGTGAAACCCCGTCTCTACTAANNNNNNNNNNAAAAAAAAAAAAAAAAAAAAGAAAGTGGGCCAAG inserted.
Protein change: p.Lys520delinsAlaGlyArgGlyGlySerCysLeuTer.
Molecular consequence: nonsense.
Genome position: GRCh38: chr5:149,028,190-149,028,191. GRCh37 (hg19): chr5:148,407,753-148,407,754.
Identifiers: ClinVar variation 1075273 (VCV001075273.7), dbSNP rs2127397555.